The following is an entry in ClinVar:

ClinVar aggregate classification (germline): Uncertain significance (1 of 4 stars; one submission).

gnomAD v4.1: 3 of 1,521,742 alleles (0.0002%); highest among the groups gnomAD compares: African/African-American, 0.0014%; no homozygotes.

Submission:

Labcorp Genetics (formerly Invitae), Labcorp
Classification: Uncertain significance. Last evaluated: 2023-03-16. Review status: criteria provided, single submitter. Criteria: Invitae Variant Classification Sherloc (09022015). Collection method: clinical testing. Allele origin: germline.
Comment: In summary, the available evidence is currently insufficient to determine the role of this variant in disease. Therefore, it has been classified as a Variant of Uncertain Significance. Algorithms developed to predict the effect of missense changes on protein structure and function output the following: SIFT: "Not Available"; PolyPhen-2: "Benign"; Align-GVGD: "Not Available". The methionine amino acid residue is found in multiple mammalian species, which suggests that this missense change does not adversely affect protein function. This variant has not been reported in the literature in individuals affected with TRIM8-related conditions. This variant is not present in population databases (gnomAD no frequency). This sequence change replaces valine, which is neutral and non-polar, with methionine, which is neutral and non-polar, at codon 369 of the TRIM8 protein (p.Val369Met).

NM_030912.3(TRIM8):c.1105G>A (p.Val369Met)

Gene: TRIM8 (tripartite motif containing 8; plus strand). Cytogenetic location: 10q24.32.
Variant type: single nucleotide variant.
Coding change: c.1105G>A on transcript NM_030912.3 (MANE Select); coding-DNA position 1105, G replaced by A.
Protein change: p.Val369Met; replaces valine 369 with methionine.
Molecular consequence: missense variant. On other transcripts: non-coding transcript variant (1).
Genome position (GRCh38, 1-based): chr10:102,656,803, G>A. VCF-style: chr10-102656803-G-A. GRCh37 (hg19) VCF-style: chr10-104416560-G-A.
Other names: c.1009G>A, p.Val337Met (NM_001345950.1); short protein forms V369M, V337M.
Identifiers: ClinVar variation 2998420 (VCV002998420.3), dbSNP rs906018239, ClinGen allele CA212267199.